The following is an entry in ClinVar:

NM_001365088.1(SLC12A6):c.-17T>G

Gene: SLC12A6 (solute carrier family 12 member 6; minus strand). Cytogenetic location: 15q14.
Variant type: single nucleotide variant.
Coding change: c.-17T>G on transcript NM_001365088.1 (MANE Select); 17 bases upstream of the start codon, T replaced by G.
Molecular consequence: 5 prime UTR variant. On other transcripts: intron variant (3).
Genome position (GRCh38, 1-based): chr15:34,336,697, A>C on the plus strand (T>G on the coding strand, the complement: SLC12A6 is on the minus strand). VCF-style: chr15-34336697-A-C. GRCh37 (hg19) VCF-style: chr15-34628898-A-C.
Other names: c.-17T>G (NM_001042497.2, NM_133647.2); c.-98-96T>G (NM_001042495.2, NM_001042494.2); c.-14-30T>G (NM_001042496.2).
Identifiers: ClinVar variation 388348 (VCV000388348.1), dbSNP rs940361308, ClinGen allele CA16606920.

ClinVar aggregate classification (germline): Likely benign (1 of 4 stars; one submission).

gnomAD v4.1: 13 of 1,613,436 alleles (0.00081%); highest among the groups gnomAD compares: Non-Finnish European, 0.001%; no homozygotes.

Submission:

GeneDx
Classification: Likely benign. Last evaluated: 2016-08-05. Review status: criteria provided, single submitter. Criteria: GeneDx Variant Classification (06012015). Collection method: clinical testing. Allele origin: germline. Affected: yes.
Comment: This variant is considered likely benign or benign based on one or more of the following criteria: it is a conservative change, it occurs at a poorly conserved position in the protein, it is predicted to be benign by multiple in silico algorithms, and/or has population frequency not consistent with disease.